The following is an entry in ClinVar:

NM_001365276.2(TNXB):c.2649G>T (p.Arg883Ser)

Gene: TNXB (tenascin XB; minus strand). Cytogenetic location: 6p21.33.
Variant type: single nucleotide variant.
Coding change: c.2649G>T on transcript NM_001365276.2 (MANE Select); coding-DNA position 2649, G replaced by T.
Protein change: p.Arg883Ser; replaces arginine 883 with serine.
Molecular consequence: missense variant.
Genome position (GRCh38, 1-based): chr6:32,088,915, C>A on the plus strand (G>T on the coding strand, the complement: TNXB is on the minus strand). VCF-style: chr6-32088915-C-A. GRCh37 (hg19) VCF-style: chr6-32056692-C-A.
Other names: c.2649G>T, p.Arg883Ser (NM_001428335.1, NM_019105.8); short protein forms R883S.
Identifiers: ClinVar variation 4848745 (VCV004848745.1).
Genomic context (GRCh38, chr6:32,088,915, plus strand): 5'-TTCTACGCCTGGCATCAGGTCAGTCAGCAGCGTCCCGTCTGCTTCAGGGGGCACTTCCAG[C>A]CTCACCCTCTGGTTGCCGGCACTGACGTAGGACACCACAAATCGGTCCACCTCAGCCTGG-3'
Protein context (NP_001352205.1, residues 873-893): SYVSAGNQRV[Arg883Ser]LEVPPEADGT

ClinVar aggregate classification (germline): Uncertain significance (1 of 4 stars; one submission).

gnomAD v4.1: 4 of 1,599,424 alleles (0.00025%); highest among the groups gnomAD compares: African/African-American, 0.004%; no homozygotes.

Submission:

Women's Health and Genetics/Laboratory Corporation of America, LabCorp
Classification: Uncertain significance. Last evaluated: 2026-04-08. Review status: criteria provided, single submitter. Criteria: LabCorp Variant Classification Summary - May 2015. Collection method: clinical testing. Allele origin: germline.
Comment: Variant summary: TNXB c.2649G>T (p.Arg883Ser) results in a non-conservative amino acid change in the encoded protein sequence. Algorithms developed to predict the effect of missense changes on protein structure and function are either unavailable or do not agree on the potential impact of this missense change. The variant was absent in 225368 control chromosomes. The available data on variant occurrences in the general population are insufficient to allow any conclusion about variant significance. To our knowledge, no occurrence of c.2649G>T in individuals affected with TNXB-related conditions and no experimental evidence demonstrating its impact on protein function have been reported. No submitters have cited clinical-significance assessments for this variant to ClinVar. Based on the evidence outlined above, the variant was classified as uncertain significance.